The following is an entry in ClinVar:

ClinVar aggregate classification (germline): Uncertain significance (1 of 4 stars; one submission).

Conditions:
Inborn genetic diseases. Identifiers: MedGen C0950123, MeSH D030342.

Submission:

Ambry Genetics
Classification: Uncertain significance for Inborn genetic diseases. Last evaluated: 2024-11-25. Review status: criteria provided, single submitter. Criteria: Ambry Variant Classification Scheme 2023. Collection method: clinical testing. Allele origin: germline.
Comment: The p.C975R variant (also known as c.2923T>C), located in coding exon 1 of the SAMD9 gene, results from a T to C substitution at nucleotide position 2923. The cysteine at codon 975 is replaced by arginine, an amino acid with highly dissimilar properties. This amino acid position is conserved. In addition, this alteration is predicted to be tolerated by in silico analysis. Based on the available evidence, the clinical significance of this variant remains unclear.

NM_017654.4(SAMD9):c.2923T>C (p.Cys975Arg)

Gene: SAMD9 (sterile alpha motif domain containing 9; minus strand). Cytogenetic location: 7q21.2.
Variant type: single nucleotide variant.
Coding change: c.2923T>C on transcript NM_017654.4 (MANE Select); coding-DNA position 2923, T replaced by C.
Protein change: p.Cys975Arg; replaces cysteine 975 with arginine.
Molecular consequence: missense variant.
Genome position (GRCh38, 1-based): chr7:93,103,175, A>G on the plus strand (T>C on the coding strand, the complement: SAMD9 is on the minus strand). VCF-style: chr7-93103175-A-G. GRCh37 (hg19) VCF-style: chr7-92732488-A-G.
Other names: c.2923T>C, p.Cys975Arg (NM_001193307.2); short protein forms C975R.
Identifiers: ClinVar variation 3437041 (VCV003437041.1).